The following is an entry in ClinVar:

NM_005188.4(CBL):c.2288G>A (p.Gly763Asp)

Gene: CBL (Cbl proto-oncogene; plus strand). Cytogenetic location: 11q23.3.
Variant type: single nucleotide variant.
Coding change: c.2288G>A on transcript NM_005188.4 (MANE Select); coding-DNA position 2288, G replaced by A.
Protein change: p.Gly763Asp; replaces glycine 763 with aspartic acid.
Molecular consequence: missense variant.
Genome position (GRCh38, 1-based): chr11:119,298,394, G>A. VCF-style: chr11-119298394-G-A. GRCh37 (hg19) VCF-style: chr11-119169104-G-A.
Other names: short protein forms G763D.
Identifiers: ClinVar variation 5033748 (VCV005033748.1).

ClinVar aggregate classification (germline): Uncertain significance (1 of 4 stars; one submission).

Conditions:
Cardiovascular phenotype. Identifiers: MedGen CN230736.

Submission:

Ambry Genetics
Classification: Uncertain significance for Cardiovascular phenotype. Last evaluated: 2026-07-16. Review status: criteria provided, single submitter. Criteria: Ambry Variant Classification Scheme 2023. Collection method: clinical testing. Allele origin: germline.
Comment: The p.G763D variant (also known as c.2288G>A), located in coding exon 15 of the CBL gene, results from a G to A substitution at nucleotide position 2288. The glycine at codon 763 is replaced by aspartic acid, an amino acid with similar properties. This amino acid position is conserved. In addition, this alteration is predicted to be tolerated by in silico analysis. Based on the available evidence, the clinical significance of this variant remains unclear.